The following is an entry in ClinVar:

NM_022114.4(PRDM16):c.444C>T (p.Ser148=)

Gene: PRDM16 (PR/SET domain 16; plus strand). Cytogenetic location: 1p36.32.
Variant type: single nucleotide variant.
Coding change: c.444C>T on transcript NM_022114.4 (MANE Select); coding-DNA position 444, C replaced by T.
Protein change: p.Ser148=; no amino-acid change (serine 148 retained).
Molecular consequence: synonymous variant.
Genome position (GRCh38, 1-based): chr1:3,385,157, C>T. VCF-style: chr1-3385157-C-T. GRCh37 (hg19) VCF-style: chr1-3301721-C-T.
Other names: p.Ser148=; c.444C>T, p.Ser148= (NM_199454.3).
Identifiers: ClinVar variation 227041 (VCV000227041.23), dbSNP rs2282198, ClinGen allele CA543826.

ClinVar aggregate classification (germline): Benign. Review status: criteria provided, multiple submitters, no conflicts (2 of 4 stars). 11 submissions from 11 submitters: Benign (8). 3 of the submissions do not count toward it. Last evaluated 2026-02-04.

Conditions:
Left ventricular noncompaction 8 (LVNC8). Identifiers: Orphanet 154, Orphanet 54260, MedGen C3809288, MONDO:0014152, OMIM 615373.

Allele frequency attached by ClinVar (database versions not stated): ESP Exome Variant Server 0.20489; gnomAD 0.22946 and 0.24527; TOPMed 0.23607; gnomAD exomes 0.29452 and 0.33362; 1000 Genomes Project 30x 0.32917; ExAC 0.32950; 1000 Genomes Project 0.34046.
gnomAD v4.1: 468,012 of 1,613,150 alleles (29%); highest among the groups gnomAD compares: East Asian, 59%; 75,704 homozygotes.

Submissions (11):

Labcorp Genetics (formerly Invitae), Labcorp
Classification: Benign for Left ventricular noncompaction 8. Last evaluated: 2026-02-04. Review status: criteria provided, single submitter. Criteria: Invitae Variant Classification Sherloc (09022015). Collection method: clinical testing. Allele origin: germline.

Blueprint Genetics
Classification: Benign. Last evaluated: 2024-11-26. Review status: criteria provided, single submitter. Criteria: ACMG Guidelines, 2015. Collection method: clinical testing. Allele origin: germline.

Genome-Nilou Lab
Classification: Benign for Left ventricular noncompaction 8. Last evaluated: 2023-04-11. Review status: criteria provided, single submitter. Criteria: ACMG Guidelines, 2015. Collection method: clinical testing. Allele origin: germline. Affected: no.

Women's Health and Genetics/Laboratory Corporation of America, LabCorp
Classification: Benign. Last evaluated: 2023-04-04. Review status: criteria provided, single submitter. Criteria: LabCorp Variant Classification Summary - May 2015. Collection method: clinical testing. Allele origin: germline.

Mayo Clinic Laboratories, Mayo Clinic
Classification: Benign. Last evaluated: 2022-04-26. Review status: criteria provided, single submitter. Criteria: ACMG Guidelines, 2015. Collection method: clinical testing. Allele origin: germline. Observed: 328 variant alleles.

GeneDx
Classification: Benign. Last evaluated: 2016-09-09. Review status: criteria provided, single submitter. Criteria: GeneDx Variant Classification (06012015). Collection method: clinical testing. Allele origin: germline. Affected: yes.
Comment: This variant is considered likely benign or benign based on one or more of the following criteria: it is a conservative change, it occurs at a poorly conserved position in the protein, it is predicted to be benign by multiple in silico algorithms, and/or has population frequency not consistent with disease.

Laboratory for Molecular Medicine, Mass General Brigham Personalized Medicine
Classification: Benign. Last evaluated: 2014-11-24. Review status: criteria provided, single submitter. Criteria: LMM Criteria. Collection method: clinical testing. Allele origin: germline. Observed: 270 variant alleles.
Comment: Ser148Ser in exon 4 of PRDM16: This variant is not expected to have clinical sig nificance because it does not alter an amino acid residue and is not located wit hin the splice consensus sequence. It has been identified in 26.7% (2281/8548) o f European American chromosomes from a broad population by the NHLBI Exome Seque ncing Project (dbSNP rs2282198).

Breakthrough Genomics
Classification: Benign. Review status: criteria provided, single submitter. Criteria: ACMG Guidelines, 2015. Collection method: not provided. Allele origin: germline. Inheritance: Autosomal dominant inheritance. Affected: yes.

Clinical Genetics DNA and cytogenetics Diagnostics Lab, Erasmus MC, Erasmus Medical Center
Classification: Benign. Review status: no assertion criteria provided. Collection method: clinical testing. Allele origin: germline. Affected: yes. Study: VKGL Data-share Consensus. Not counted in ClinVar's aggregate classification.

Clinical Genetics, Academic Medical Center
Classification: Benign. Review status: no assertion criteria provided. Collection method: clinical testing. Allele origin: germline. Affected: yes. Study: VKGL Data-share Consensus. Not counted in ClinVar's aggregate classification.

Joint Genome Diagnostic Labs from Nijmegen and Maastricht, Radboudumc and MUMC+
Classification: Benign. Review status: no assertion criteria provided. Collection method: clinical testing. Allele origin: germline. Affected: yes. Study: VKGL Data-share Consensus. Not counted in ClinVar's aggregate classification.